The following is an entry in ClinVar:

ClinVar aggregate classification (germline): Likely benign (0 of 4 stars; one submission).

Conditions:
IRF2BPL-related disorder. Also called: IRF2BPL-related condition. Identifiers: MedGen CN381093.

Submission:

PreventionGenetics, part of Exact Sciences
Classification: Likely benign for IRF2BPL-related condition. Last evaluated: 2023-02-09. Review status: no assertion criteria provided. Collection method: clinical testing. Allele origin: germline.
Comment: This variant is classified as likely benign based on ACMG/AMP sequence variant interpretation guidelines (Richards et al. 2015 PMID: 25741868, with internal and published modifications).

NM_024496.4(IRF2BPL):c.48G>C (p.Leu16=)

Genes: IRF2BPL (interferon regulatory factor 2 binding protein like; minus strand), LOC107984638 (uncharacterized LOC107984638; plus strand). Cytogenetic location: 14q24.3.
Variant type: single nucleotide variant.
Coding change: c.48G>C on transcript NM_024496.4 (MANE Select); coding-DNA position 48, G replaced by C.
Protein change: p.Leu16=; no amino-acid change (leucine 16 retained).
Molecular consequence: synonymous variant.
Genome position (GRCh38, 1-based): chr14:77,027,745, C>G on the plus strand (G>C on the coding strand, the complement: IRF2BPL is on the minus strand). VCF-style: chr14-77027745-C-G. GRCh37 (hg19) VCF-style: chr14-77494088-C-G.
Identifiers: ClinVar variation 3050461 (VCV003050461.2), dbSNP rs1182800711, ClinGen allele CA487508121.
Genomic context (GRCh38, chr14:77,027,745, plus strand): 5'-GCGGCATACGGGTTCCGAGAAGTCCCAGATCATGGCCCAGGGCATGCGGGGCAGGTCGCA[C>G]AGGTAGCAAGATTGTCTCCGGGACGAGGACACCTGCGCCGCCGACATGATGCCTGCCCTG-3'
Protein context (NP_078772.1, residues 6-26): VSSSRRQSCY[Leu16=]CDLPRMPWAM